The following is an entry in ClinVar:

ClinVar aggregate classification (germline): Uncertain significance (1 of 4 stars; one submission).

Conditions:
Neurofibromatosis, type 1 (NF1). Also called: NEUROFIBROMATOSIS, TYPE I, SOMATIC; VON RECKLINGHAUSEN DISEASE; Neurofibromatosis, type I; Peripheral type neurofibromatosis. Identifiers: Orphanet 636, MedGen C0027831, MONDO:0018975, OMIM 162200. Disease mechanism: loss of function.

Submission:

Labcorp Genetics (formerly Invitae), Labcorp
Classification: Uncertain significance for Neurofibromatosis, type 1. Last evaluated: 2018-07-27. Review status: criteria provided, single submitter. Criteria: Invitae Variant Classification Sherloc (09022015). Collection method: clinical testing. Allele origin: germline.
Comment: This variant has not been reported in the literature in individuals with NF1-related disease. This variant is not present in population databases (ExAC no frequency). This sequence change replaces methionine with leucine at codon 1928 of the NF1 protein (p.Met1928Leu). The methionine residue is moderately conserved and there is a small physicochemical difference between methionine and leucine. Algorithms developed to predict the effect of missense changes on protein structure and function (SIFT, PolyPhen-2, Align-GVGD) all suggest that this variant is likely to be tolerated, but these predictions have not been confirmed by published functional studies and their clinical significance is uncertain. In summary, the available evidence is currently insufficient to determine the role of this variant in disease. Therefore, it has been classified as a Variant of Uncertain Significance.

NM_001042492.3(NF1):c.5845A>T (p.Met1949Leu)

Gene: NF1 (neurofibromin 1; plus strand). Cytogenetic location: 17q11.2.
Variant type: single nucleotide variant.
Coding change: c.5845A>T on transcript NM_001042492.3 (MANE Select); coding-DNA position 5845, A replaced by T.
Protein change: p.Met1949Leu; replaces methionine 1949 with leucine.
Molecular consequence: missense variant.
Genome position (GRCh38, 1-based): chr17:31,334,870, A>T. VCF-style: chr17-31334870-A-T. GRCh37 (hg19) VCF-style: chr17-29661888-A-T.
Other names: c.5782A>T, p.Met1928Leu (NM_000267.4); short protein forms M1949L, M1928L.
Identifiers: ClinVar variation 646265 (VCV000646265.5), dbSNP rs1597840049, ClinGen allele CA399010625.